The following is an entry in ClinVar:

NM_015015.3(KDM4B):c.1717C>T (p.Pro573Ser)

Genes: KDM4B (lysine demethylase 4B; plus strand), LOC130063244 (ATAC-STARR-seq lymphoblastoid active region 13796; plus strand). Cytogenetic location: 19p13.3.
Variant type: single nucleotide variant.
Coding change: c.1717C>T on transcript NM_015015.3 (MANE Select); coding-DNA position 1717, C replaced by T.
Protein change: p.Pro573Ser; replaces proline 573 with serine.
Molecular consequence: missense variant.
Genome position (GRCh38, 1-based): chr19:5,131,477, C>T. VCF-style: chr19-5131477-C-T. GRCh37 (hg19) VCF-style: chr19-5131488-C-T.
Other names: c.1819C>T, p.Pro607Ser (NM_001411148.1); short protein forms P573S, P607S.
Identifiers: ClinVar variation 2629868 (VCV002629868.1), dbSNP rs747372978, ClinGen allele CA9107916.

ClinVar aggregate classification (germline): Uncertain significance (1 of 4 stars; one submission).

Conditions:
KDM4B-related disorder. Also called: KDM4B-related condition.

Allele frequency attached by ClinVar (database versions not stated): gnomAD exomes below 0.00001; ExAC 0.00001.
gnomAD v4.1: 5 of 1,561,566 alleles (0.00032%); highest among the groups gnomAD compares: South Asian, 0.0056%; no homozygotes.

Submission:

PreventionGenetics, part of Exact Sciences
Classification: Uncertain significance for KDM4B-related condition. Last evaluated: 2023-01-04. Review status: criteria provided, single submitter. Criteria: ACMG Guidelines, 2015. Collection method: clinical testing. Allele origin: germline.
Comment: The KDM4B c.1717C>T variant is predicted to result in the amino acid substitution p.Pro573Ser. To our knowledge, this variant has not been reported in the literature. This variant is reported in 0.0033% of alleles in individuals of South Asian descent in gnomAD. At this time, the clinical significance of this variant is uncertain due to the absence of conclusive functional and genetic evidence.